The following is an entry in ClinVar:

ClinVar aggregate classification (germline): Uncertain significance. Review status: criteria provided, multiple submitters, no conflicts (2 of 4 stars). 2 submissions from 2 submitters: Uncertain significance (2). Last evaluated 2026-02-05.

Submissions (2):

Dasa
Classification: Uncertain significance. Last evaluated: 2026-02-05. Review status: criteria provided, single submitter. Criteria: DASA Assertion Criteria. Collection method: clinical testing. Allele origin: germline.
Comment: NM_001257293.2(HNRNPH1):c.337G>A (p.Val113Ile) is a missense variant that results in the substitution of valine with isoleucine. This variant is rare in population databases. Computational prediction algorithms are consistent with a benign effect. The currently available literature and clinical evidence are not sufficient to establish a definitive association between this variant and the reported condition. Therefore, this variant is classified as a variant of uncertain significance.

GeneDx
Classification: Uncertain significance. Last evaluated: 2023-11-02. Review status: criteria provided, single submitter. Criteria: GeneDx Variant Classification Process June 2021. Collection method: clinical testing. Allele origin: germline. Affected: yes.
Comment: Not observed at significant frequency in large population cohorts (gnomAD); In silico analysis supports that this missense variant does not alter protein structure/function; Has not been previously published as pathogenic or benign to our knowledge

NM_001257293.2(HNRNPH1):c.337G>A (p.Val113Ile)

Genes: HNRNPH1 (heterogeneous nuclear ribonucleoprotein H1; minus strand), LOC128966623 (uncharacterized LOC128966623; plus strand). Cytogenetic location: 5q35.3.
Variant type: single nucleotide variant.
Coding change: c.337G>A on transcript NM_001257293.2 (MANE Select); coding-DNA position 337, G replaced by A.
Protein change: p.Val113Ile; replaces valine 113 with isoleucine.
Molecular consequence: missense variant. On other transcripts: 5 prime UTR variant (7).
Genome position (GRCh38, 1-based): chr5:179,620,952, C>T on the plus strand (G>A on the coding strand, the complement: HNRNPH1 is on the minus strand). VCF-style: chr5-179620952-C-T. GRCh37 (hg19) VCF-style: chr5-179047953-C-T.
Other names: c.337G>A, p.Val113Ile (NM_001363572.2, NM_001364225.2, NM_001364226.2 and 39 more transcripts); c.181G>A, p.Val61Ile (NM_001364250.2); c.-128G>A (NM_001364251.2, NM_001364252.2, NM_001364253.2 and 4 more transcripts); c.106G>A, p.Val36Ile (NM_001395190.1); short protein forms V113I, V36I, V61I.
Identifiers: ClinVar variation 3363829 (VCV003363829.3).